The following is an entry in ClinVar:

ClinVar aggregate classification (germline): Uncertain significance (1 of 4 stars; one submission).

Conditions:
Neonatal encephalomyopathy-cardiomyopathy-respiratory distress syndrome. Also called: Coenzyme Q10 deficiency, primary, 7. Identifiers: Orphanet 457185, MedGen C5568562, MONDO:0014562, OMIM 616276.

Allele frequency attached by ClinVar (database versions not stated): gnomAD exomes below 0.00001; TOPMed below 0.00001; gnomAD 0.00001.

Submission:

Labcorp Genetics (formerly Invitae), Labcorp
Classification: Uncertain significance for Neonatal encephalomyopathy-cardiomyopathy-respiratory distress syndrome. Last evaluated: 2024-10-29. Review status: criteria provided, single submitter. Criteria: Invitae Variant Classification Sherloc (09022015). Collection method: clinical testing. Allele origin: germline.
Comment: This sequence change falls in intron 1 of the COQ4 gene. It does not directly change the encoded amino acid sequence of the COQ4 protein. It affects a nucleotide within the consensus splice site. This variant is not present in population databases (gnomAD no frequency). This variant has not been reported in the literature in individuals affected with COQ4-related conditions. ClinVar contains an entry for this variant (Variation ID: 1367125). Variants that disrupt the consensus splice site are a relatively common cause of aberrant splicing (PMID: 17576681, 9536098). Algorithms developed to predict the effect of sequence changes on RNA splicing suggest that this variant is not likely to affect RNA splicing. In summary, the available evidence is currently insufficient to determine the role of this variant in disease. Therefore, it has been classified as a Variant of Uncertain Significance.

Literature cited by the submitters: PubMed 17576681; PubMed 9536098.

NM_016035.5(COQ4):c.71-3C>T

Gene: COQ4 (coenzyme Q4; plus strand). Cytogenetic location: 9q34.11.
Variant type: single nucleotide variant.
Coding change: c.71-3C>T on transcript NM_016035.5 (MANE Select); 3 bases into the intron before coding-DNA position 71, C replaced by T.
Molecular consequence: intron variant.
Genome position (GRCh38, 1-based): chr9:128,323,013, C>T. VCF-style: chr9-128323013-C-T. GRCh37 (hg19) VCF-style: chr9-131085292-C-T.
Other names: c.71-3C>T (NM_001305942.2).
Identifiers: ClinVar variation 1367125 (VCV001367125.6), dbSNP rs1832236459, ClinGen allele CA1129309728.